The following is an entry in ClinVar:

ClinVar aggregate classification (germline): Uncertain significance (1 of 4 stars; one submission).

Conditions:
Immunodeficiency, common variable, 4. Also called: ANTIBODY DEFICIENCY DUE TO BAFFR DEFECT. Identifiers: Orphanet 1572, Orphanet 696925, MedGen C3150739, MONDO:0013284, OMIM 613494.

gnomAD v4.1: 4 of 1,378,374 alleles (0.00029%); highest among the groups gnomAD compares: South Asian, 0.0016%; no homozygotes.

Submission:

Labcorp Genetics (formerly Invitae), Labcorp
Classification: Uncertain significance for Immunodeficiency, common variable, 4. Last evaluated: 2023-07-25. Review status: criteria provided, single submitter. Criteria: Invitae Variant Classification Sherloc (09022015). Collection method: clinical testing. Allele origin: germline.
Comment: In summary, the available evidence is currently insufficient to determine the role of this variant in disease. Therefore, it has been classified as a Variant of Uncertain Significance. An algorithm developed to predict the effect of missense changes on protein structure and function (PolyPhen-2) suggests that this variant is likely to be disruptive. This variant has not been reported in the literature in individuals affected with TNFRSF13C-related conditions. This variant is not present in population databases (gnomAD no frequency). This sequence change replaces arginine, which is basic and polar, with tryptophan, which is neutral and slightly polar, at codon 9 of the TNFRSF13C protein (p.Arg9Trp).

NM_052945.4(TNFRSF13C):c.25C>T (p.Arg9Trp)

Genes: TNFRSF13C (TNF receptor superfamily member 13C; minus strand), LOC130067574 (ATAC-STARR-seq lymphoblastoid silent region 13813; plus strand). Cytogenetic location: 22q13.2.
Variant type: single nucleotide variant.
Coding change: c.25C>T on transcript NM_052945.4 (MANE Select); coding-DNA position 25, C replaced by T.
Protein change: p.Arg9Trp; replaces arginine 9 with tryptophan.
Molecular consequence: missense variant.
Genome position (GRCh38, 1-based): chr22:41,926,749, G>A on the plus strand (C>T on the coding strand, the complement: TNFRSF13C is on the minus strand). VCF-style: chr22-41926749-G-A. GRCh37 (hg19) VCF-style: chr22-42322753-G-A.
Other names: short protein forms R9W.
Identifiers: ClinVar variation 2788296 (VCV002788296.3), dbSNP rs1161872026, ClinGen allele CA411763902.